The following is an entry in ClinVar:

ClinVar aggregate classification (germline): Likely benign (1 of 4 stars; one submission).

Submission:

CeGaT Center for Human Genetics Tuebingen
Classification: Likely benign. Last evaluated: 2026-08-01. Review status: criteria provided, single submitter. Criteria: CeGaT Center For Human Genetics Tuebingen Variant Classification Criteria Version 2. Collection method: clinical testing. Allele origin: germline. Affected: yes. Observed: 1 variant allele.
Comment: POLH: PM2:Supporting, BP4, BP7

NM_006502.3(POLH):c.1701A>G (p.Leu567=)

Gene: POLH (DNA polymerase eta; plus strand). Cytogenetic location: 6p21.1.
Variant type: single nucleotide variant.
Coding change: c.1701A>G on transcript NM_006502.3 (MANE Select); coding-DNA position 1701, A replaced by G.
Protein change: p.Leu567=; no amino-acid change (leucine 567 retained).
Molecular consequence: synonymous variant. On other transcripts: 3 prime UTR variant (1).
Genome position (GRCh38, 1-based): chr6:43,614,116, A>G. VCF-style: chr6-43614116-A-G. GRCh37 (hg19) VCF-style: chr6-43581853-A-G.
Other names: c.1329A>G, p.Leu443= (NM_001291969.2); c.*385A>G (NM_001291970.2).
Identifiers: ClinVar variation 5040567 (VCV005040567.1).